The following is an entry in ClinVar:

ClinVar aggregate classification (germline): Conflicting classifications of pathogenicity. Review status: criteria provided, conflicting classifications (1 of 4 stars). 6 submissions from 6 submitters: Uncertain significance (2); Benign (1); Likely benign (2). 1 of the submissions does not count toward it. Last evaluated 2026-03-01.

Conditions:
AGPAT2-related disorder. Also called: AGPAT2-related condition.
Congenital generalized lipodystrophy type 1 (CGL1). Also called: Berardinelli-Seip Congenital Lipodystrophy Type 1; BRUNZELL SYNDROME, AGPAT2-RELATED. Identifiers: Orphanet 528, Orphanet 696189, MedGen C1720862, MONDO:0012071, OMIM 608594.

Allele frequency attached by ClinVar (database versions not stated): ESP Exome Variant Server 0.00023; gnomAD 0.00031; TOPMed 0.00034; gnomAD exomes 0.00035 and 0.00044; ExAC 0.00052.
gnomAD v4.1: 562 of 1,605,192 alleles (0.035%); highest among the groups gnomAD compares: Middle Eastern, 0.13%; 1 homozygote.

Submissions (6):

CeGaT Center for Human Genetics Tuebingen
Classification: Likely benign. Last evaluated: 2026-03-01. Review status: criteria provided, single submitter. Criteria: CeGaT Center For Human Genetics Tuebingen Variant Classification Criteria Version 2. Collection method: clinical testing. Allele origin: germline. Affected: yes. Observed: 1 variant allele.
Comment: AGPAT2: BP4, BP7

Labcorp Genetics (formerly Invitae), Labcorp
Classification: Benign. Last evaluated: 2026-02-02. Review status: criteria provided, single submitter. Criteria: Invitae Variant Classification Sherloc (09022015). Collection method: clinical testing. Allele origin: germline.

Blueprint Genetics
Classification: Likely benign. Last evaluated: 2024-10-02. Review status: criteria provided, single submitter. Criteria: ACMG Guidelines, 2015. Collection method: clinical testing. Allele origin: germline.

Illumina Laboratory Services, Illumina
Classification: Uncertain significance for Congenital generalized lipodystrophy type 1. Last evaluated: 2018-01-12. Review status: criteria provided, single submitter. Criteria: ICSL Variant Classification Criteria 13 December 2019. Collection method: clinical testing. Allele origin: germline.

Breakthrough Genomics
Classification: Uncertain significance. Review status: criteria provided, single submitter. Criteria: ACMG Guidelines, 2015. Collection method: not provided. Allele origin: germline. Inheritance: Autosomal recessive inheritance. Affected: yes.

PreventionGenetics, part of Exact Sciences
Classification: Likely benign for AGPAT2-related condition. Last evaluated: 2019-05-13. Review status: no assertion criteria provided. Collection method: clinical testing. Allele origin: germline. Not counted in ClinVar's aggregate classification.
Comment: This variant is classified as likely benign based on ACMG/AMP sequence variant interpretation guidelines (Richards et al. 2015 PMID: 25741868, with internal and published modifications).

NM_006412.4(AGPAT2):c.732C>T (p.Leu244=)

Gene: AGPAT2 (1-acylglycerol-3-phosphate O-acyltransferase 2; minus strand). Cytogenetic location: 9q34.3.
Variant type: single nucleotide variant.
Coding change: c.732C>T on transcript NM_006412.4 (MANE Select); coding-DNA position 732, C replaced by T.
Protein change: p.Leu244=; no amino-acid change (leucine 244 retained).
Molecular consequence: synonymous variant.
Genome position (GRCh38, 1-based): chr9:136,673,857, G>A on the plus strand (C>T on the coding strand, the complement: AGPAT2 is on the minus strand). VCF-style: chr9-136673857-G-A. GRCh37 (hg19) VCF-style: chr9-139568309-G-A.
Other names: c.636C>T, p.Leu212= (NM_001012727.2).
Identifiers: ClinVar variation 365919 (VCV000365919.17), dbSNP rs200288462, ClinGen allele CA5342834.
Genomic context (GRCh38, chr9:136,673,857, plus strand): 5'-CTGGGGGGTCTTGGAGATGTGGAGGAAGGTGGTCCTCATGGCCCGGTGGCAGGTGTCCAC[G>A]AGCGCAGGGACGTCCGCCGCAGTGAGGCCGCTGGTGGGGATGGCTTCCAGCACCTGCACT-3'
Protein context (NP_006403.2, residues 234-254): SGLTAADVPA[Leu244=]VDTCHRAMRT